The following is an entry in ClinVar:

NM_033028.5(BBS4):c.337C>T (p.Leu113Phe)

Gene: BBS4 (Bardet-Biedl syndrome 4; plus strand). Cytogenetic location: 15q24.1.
Variant type: single nucleotide variant.
Coding change: c.337C>T on transcript NM_033028.5 (MANE Select); coding-DNA position 337, C replaced by T.
Protein change: p.Leu113Phe; replaces leucine 113 with phenylalanine.
Molecular consequence: missense variant. On other transcripts: 5 prime UTR variant (1), non-coding transcript variant (2).
Genome position (GRCh38, 1-based): chr15:72,716,782, C>T. VCF-style: chr15-72716782-C-T. GRCh37 (hg19) VCF-style: chr15-73009123-C-T.
Other names: c.-185C>T (NM_001252678.2); c.337C>T, p.Leu113Phe (NM_001320665.2); short protein forms L113F.
Identifiers: ClinVar variation 846825 (VCV000846825.11), dbSNP rs760909426, ClinGen allele CA7646596.
Genomic context (GRCh38, chr15:72,716,782, plus strand): 5'-GGGTTAGTCTTCTAAGAATTTTGAGGTAATAATTATGGAAAATATATCTTTTACAGATTT[C>T]TTTTGGGAAAACATAAAGCTGCCATTGAAGTATATAATGAAGCAGCTAAACTCAACCAGA-3'
Protein context (NP_149017.2, residues 103-123): NLKQVARSLF[Leu113Phe]LGKHKAAIEV

ClinVar aggregate classification (germline): Uncertain significance. Review status: criteria provided, multiple submitters, no conflicts (2 of 4 stars). 4 submissions from 4 submitters: Uncertain significance (3). 1 of the submissions does not count toward it. Last evaluated 2024-10-22.

Conditions:
BBS4-related disorder. Also called: BBS4-related condition.
Bardet-Biedl syndrome (BBS). Identifiers: Orphanet 110, MedGen C0752166, MONDO:0015229.

Allele frequency attached by ClinVar (database versions not stated): TOPMed 0.00012; gnomAD exomes 0.00016; gnomAD 0.00019 and 0.00020; ExAC 0.00022.

Submissions (4):

Blueprint Genetics
Classification: Uncertain significance. Last evaluated: 2024-10-22. Review status: criteria provided, single submitter. Criteria: ACMG Guidelines, 2015. Collection method: clinical testing. Allele origin: germline.

Labcorp Genetics (formerly Invitae), Labcorp
Classification: Uncertain significance for Bardet-Biedl syndrome. Last evaluated: 2022-07-19. Review status: criteria provided, single submitter. Criteria: Invitae Variant Classification Sherloc (09022015). Collection method: clinical testing. Allele origin: germline.
Comment: This sequence change replaces leucine, which is neutral and non-polar, with phenylalanine, which is neutral and non-polar, at codon 113 of the BBS4 protein (p.Leu113Phe). This variant is present in population databases (rs760909426, gnomAD 0.04%). This variant has not been reported in the literature in individuals affected with BBS4-related conditions. ClinVar contains an entry for this variant (Variation ID: 846825). Algorithms developed to predict the effect of missense changes on protein structure and function are either unavailable or do not agree on the potential impact of this missense change (SIFT: "Deleterious"; PolyPhen-2: "Probably Damaging"; Align-GVGD: "Class C0"). In summary, the available evidence is currently insufficient to determine the role of this variant in disease. Therefore, it has been classified as a Variant of Uncertain Significance.

GeneDx
Classification: Uncertain significance. Last evaluated: 2019-04-24. Review status: criteria provided, single submitter. Criteria: GeneDx Variant Classification Process June 2021. Collection method: clinical testing. Allele origin: germline. Affected: yes.
Comment: Has not been previously published as pathogenic or benign to our knowledge; In silico analysis, which includes protein predictors and evolutionary conservation, supports a deleterious effect

PreventionGenetics, part of Exact Sciences
Classification: Uncertain significance for BBS4-related condition. Last evaluated: 2024-05-20. Review status: no assertion criteria provided. Collection method: clinical testing. Allele origin: germline. Not counted in ClinVar's aggregate classification.
Comment: The BBS4 c.337C>T variant is predicted to result in the amino acid substitution p.Leu113Phe. This variant was reported as a variant of uncertain significance in an obesity cohort; however, no additional studies were performed to help assess the pathogenicity of this variant (Tamaroff et al. 2023. PMID: 37810530). This variant is reported in 0.052% of alleles in individuals of European (Finnish) descent in gnomAD. Although we suspect that this variant may be benign, at this time, the clinical significance of this variant is uncertain due to the absence of conclusive functional and genetic evidence.